The following is an entry in ClinVar:

NM_007059.4(KPTN):c.777_783dup (p.Lys262fs)

Gene: KPTN (kaptin, actin binding protein; minus strand). Cytogenetic location: 19q13.32.
Variant type: Duplication.
Coding change: c.777_783dup on transcript NM_007059.4 (MANE Select); coding-DNA positions 777 to 783, 7 bases duplicated (GGCCGCC; older notation c.777_783dupGGCCGCC).
Protein change: p.Lys262fs; shifts the reading frame from lysine 262.
Molecular consequence: frameshift variant. On other transcripts: non-coding transcript variant (1).
Genome position (GRCh38, 1-based): chr19:47,479,867-47,479,873, GGCGGCC duplicated on the plus strand (GGCCGCC on the coding strand, the reverse complement: KPTN is on the minus strand); duplicating any 7 consecutive bases within chr19:47,479,867-47,479,874 gives the same sequence; the c. name uses the placement nearest the transcript's 3' end. VCF-style (leftmost placement, unchanged base first): chr19-47479866-T-TGGCGGCC. GRCh37 (hg19) VCF-style: chr19-47983123-T-TGGCGGCC.
Other names: c.609_615dup, p.Lys206fs (NM_001291296.2); c.777_783dupGGCCGCC (NM_007059.4); short protein forms K206fs, K262fs.
Identifiers: ClinVar variation 4688846 (VCV004688846.2).

ClinVar aggregate classification (germline): Pathogenic. Review status: criteria provided, multiple submitters, no conflicts (2 of 4 stars). 2 submissions from 2 submitters: Pathogenic (2). Last evaluated 2026-02-25.

Conditions:
Macrocephaly-developmental delay syndrome (MRT41). Also called: INTELLECTUAL DEVELOPMENTAL DISORDER, AUTOSOMAL RECESSIVE 41. Identifiers: Orphanet 397612, MedGen C3810225, MONDO:0014289, OMIM 615637.

Submissions (2):

Institute of Human Genetics, Heidelberg University
Classification: Pathogenic for Macrocephaly-developmental delay syndrome. Last evaluated: 2026-02-25. Review status: criteria provided, single submitter. Criteria: ACMG Guidelines, 2015. Collection method: clinical testing. Allele origin: paternal. Affected: yes. Observed: 2 variant alleles.
Comment: PM4, PM3_vstrong, PM2_supp, PP1

Women's Health and Genetics/Laboratory Corporation of America, LabCorp
Classification: Pathogenic for Macrocephaly-developmental delay syndrome. Last evaluated: 2025-12-24. Review status: criteria provided, single submitter. Criteria: LabCorp Variant Classification Summary - May 2015. Collection method: clinical testing. Allele origin: germline.
Comment: Variant summary: KPTN c.777_783dupGGCCGCC (p.Lys262GlyfsX13) results in a premature termination codon, predicted to cause a truncation of the encoded protein or absence of the protein due to nonsense mediated decay, which are commonly known mechanisms for disease. The variant allele was found at a frequency of 4e-06 in 248178 control chromosomes. To our knowledge, no occurrence of c.777_783dupGGCCGCC in individuals affected with KPTN-related conditions and no experimental evidence demonstrating its impact on protein function have been reported. No submitters have cited clinical-significance assessments for this variant to ClinVar. Based on the evidence outlined above, the variant was classified as pathogenic.